The following is an entry in ClinVar:

ClinVar aggregate classification (germline): Pathogenic (1 of 4 stars; one submission).

Submission:

Labcorp Genetics (formerly Invitae), Labcorp
Classification: Pathogenic. Last evaluated: 2024-02-23. Review status: criteria provided, single submitter. Criteria: Invitae Variant Classification Sherloc (09022015). Collection method: clinical testing. Allele origin: germline.
Comment: This sequence change creates a premature translational stop signal (p.Pro637Leufs*15) in the LZTR1 gene. It is expected to result in an absent or disrupted protein product. Loss-of-function variants in LZTR1 are known to be pathogenic (PMID: 24362817, 25335493, 25480913, 25795793, 29469822, 30368668, 30442762, 30442766, 30481304, 30859559). The frequency data for this variant in the population databases is considered unreliable, as metrics indicate poor data quality at this position in the gnomAD database. This variant has not been reported in the literature in individuals affected with LZTR1-related conditions. ClinVar contains an entry for this variant (Variation ID: 1457327). For these reasons, this variant has been classified as Pathogenic.

Literature cited by the submitters: PubMed 24362817; PubMed 25335493; PubMed 25480913; PubMed 25795793; PubMed 29469822; PubMed 30368668; PubMed 30442762; PubMed 30442766; PubMed 30481304; PubMed 30859559.

NM_006767.4(LZTR1):c.1910del (p.Pro637fs)

Gene: LZTR1 (leucine zipper like post translational regulator 1; plus strand). Cytogenetic location: 22q11.21.
Variant type: Deletion.
Coding change: c.1910del on transcript NM_006767.4 (MANE Select); coding-DNA position 1910, one base deleted (C; older notation c.1910delC).
Protein change: p.Pro637fs; shifts the reading frame from proline 637.
Molecular consequence: frameshift variant.
Genome position (GRCh38, 1-based): chr22:20,994,994, C deleted; the last of 5 consecutive C bases (chr22:20,994,990-20,994,994); deleting any one gives the same sequence. VCF-style (leftmost placement, unchanged base first): chr22-20994989-GC-G. GRCh37 (hg19) VCF-style: chr22-21349278-GC-G.
Other names: short protein forms P637fs.
Identifiers: ClinVar variation 1457327 (VCV001457327.6), dbSNP rs780380199, ClinGen allele CA10119103.